The following is an entry in ClinVar:

ClinVar aggregate classification (germline): Likely benign. Review status: criteria provided, multiple submitters, no conflicts (2 of 4 stars). 3 submissions from 3 submitters: Likely benign (2). 1 of the submissions does not count toward it. Last evaluated 2025-12-29.

Conditions:
ISCU-related disorder. Also called: ISCU-related condition.

Allele frequency attached by ClinVar (database versions not stated): ESP Exome Variant Server 0.00077; 1000 Genomes Project 30x 0.00078; gnomAD 0.00083; TOPMed 0.00091; 1000 Genomes Project 0.00100.

Submissions (3):

Labcorp Genetics (formerly Invitae), Labcorp
Classification: Likely benign. Last evaluated: 2025-12-29. Review status: criteria provided, single submitter. Criteria: Invitae Variant Classification Sherloc (09022015). Collection method: clinical testing. Allele origin: germline.

PreventionGenetics, part of Exact Sciences
Classification: Likely benign for ISCU-related condition. Last evaluated: 2025-06-12. Review status: criteria provided, single submitter. Criteria: ACMG Guidelines, 2015. Collection method: clinical testing. Allele origin: germline.
Comment: This variant is classified as likely benign based on ACMG/AMP sequence variant interpretation guidelines (Richards et al. 2015 PMID: 25741868, with internal and published modifications).

Mayo Clinic Laboratories, Mayo Clinic
Classification: Uncertain significance. Last evaluated: 2017-09-18. Review status: no assertion criteria provided. Collection method: clinical testing. Allele origin: unknown. Not counted in ClinVar's aggregate classification.

NM_213595.4(ISCU):c.475C>G (p.Pro159Ala)

Gene: ISCU (iron-sulfur cluster assembly enzyme; plus strand). Cytogenetic location: 12q23.3.
Variant type: single nucleotide variant.
Coding change: c.475C>G on transcript NM_213595.4 (MANE Select); coding-DNA position 475, C replaced by G.
Protein change: p.Pro159Ala; replaces proline 159 with alanine.
Molecular consequence: missense variant. On other transcripts: 3 prime UTR variant (3), non-coding transcript variant (1).
Genome position (GRCh38, 1-based): chr12:108,568,887, C>G. VCF-style: chr12-108568887-C-G. GRCh37 (hg19) VCF-style: chr12-108962663-C-G.
Other names: c.*96C>G (NM_001301140.1); c.*101C>G (NM_001301141.1); c.*1183C>G (NM_001320042.1); c.400C>G, p.Pro134Ala (NM_014301.4); short protein forms P159A, P134A.
Identifiers: ClinVar variation 559225 (VCV000559225.15), dbSNP rs113036584, ClinGen allele CA6768892.
Genomic context (GRCh38, chr12:108,568,887, plus strand): 5'-CCAGTGCTGGCTGAAGATGCAATCAAGGCCGCCCTGGCTGATTACAAATTGAAACAAGAA[C>G]CCAAAAAAGGAGAGGCAGAGAAGAAATGAGCCCTCCCTCGGCGAAGCCTCCAGCAGGCCA-3'
Protein context (NP_998760.1, residues 149-167): ALADYKLKQE[Pro159Ala]KKGEAEKK